The following is an entry in ClinVar:

ClinVar aggregate classification (germline): Likely pathogenic. Review status: reviewed by expert panel (3 of 4 stars). 4 submissions from 4 submitters: Likely pathogenic (1). 3 of the submissions do not count toward it. Last evaluated 2026-03-16.

Conditions:
Combined immunodeficiency due to partial RAG1 deficiency. Identifiers: Orphanet 231154, MedGen C1835931, MONDO:0012359, OMIM 609889.
Recombinase activating gene 1 deficiency. Identifiers: MedGen CN375631, MONDO:0000572.
Severe combined immunodeficiency, autosomal recessive, T cell-negative, B cell-negative, NK cell-positive. Also called: SCID, AR, T-cell negative, B-cell negative, NK cell-positive; SCID, T CELL-NEGATIVE, B CELL-NEGATIVE, NK CELL-POSITIVE; Severe combined immunodeficiency due to complete RAG1/2 deficiency. Identifiers: Orphanet 331206, MedGen C1832322, MONDO:0011086, OMIM 601457.

Allele frequency attached by ClinVar (database versions not stated): gnomAD exomes below 0.00001 and 0.00001; TOPMed 0.00002.
gnomAD v4.1: 9 of 1,614,038 alleles (0.00056%); highest among the groups gnomAD compares: South Asian, 0.0011%; no homozygotes.

Submissions (4):

ClinGen Severe Combined Immunodeficiency Variant Curation Expert Panel, ClinGen
Classification: Likely pathogenic for Recombinase activating gene 1 deficiency. Last evaluated: 2026-03-16. Review status: reviewed by expert panel. Criteria: ClinGen SCID ACMG Specifications RAG1 V2.1.0. Collection method: curation. Allele origin: germline. Inheritance: Autosomal recessive inheritance.
Comment: The NM_000448.3(RAG1):c.2147G>A variant in RAG1 is a missense variant predicted to cause substitution of arginine by glutamine at amino acid position 716 (p.Arg716Gln). This variant is located within the catalytic RNase H functional domain (amino acids 591–721). PM1_Supporting is met. The Grpmax Filtering allele frequency of this variant is 0.000001830 in gnomAD v4.1.0, which is lower than the SCID-VCEP threshold (<0.000102) for PM2_Supporting. No homozygotes have been observed. PM2_Supporting is met. All patients showed T-B-NK+ lymphocyte subset profile (0.5pt). This variant was detected by NGS targeted panel and confirmed by Sanger sequencing in two patients, and was detected by WES in another patient (1pt) (PMID: 36732712; 35729272; 28109013). PP4 is met. Functional studies using a V(D)J recombination assay indicated that this variant exhibited 0% of wild-type activity. PS3_Moderate is met. Another functional study using recombinant expression plasmids carrying the p.Arg716Gln variant demonstrated a 72.63% and 70.9% decrease in mRNA levels, along with decreased protein expression (PMID: 36732712). The other variant NM_000448.3(RAG1):c.2146C>T (p.Arg716Trp) that disrupts the same amino acid residue has been previously curated as likely pathogenic by the SCID VCEP. PM5_Supporting is met. In summary, this variant is classified as likely pathogenic for recombinase activating gene 1 deficiency. ACMG/AMP criteria applied, as specified by the ClinGen SCID-VCEP: PM1_Supporting, PM2_Supporting, PM3, PP4, PM5_Supporting, PS3_Moderate. (VCEP specifications version 2.1.0)

Baylor Genetics
Classification: Likely pathogenic for Combined immunodeficiency due to partial RAG1 deficiency. Last evaluated: 2024-02-20. Review status: criteria provided, single submitter. Criteria: ACMG Guidelines, 2015. Collection method: clinical testing. Allele origin: unknown. Not counted in ClinVar's aggregate classification.

GeneDx
Classification: Likely pathogenic. Last evaluated: 2014-08-13. Review status: criteria provided, single submitter. Criteria: GeneDx Variant Classification (06012015). Collection method: clinical testing. Allele origin: germline. Affected: yes. Not counted in ClinVar's aggregate classification.
Comment: To our knowledge, the R716Q variant has neither been published as pathogenic, nor reported as a benign polymorphism. This variant was not observed in approximately 6500 individuals of European and African American ancestry in an external variant database, indicating it is not a common benign variant in these populations. R716Q is a semi-conservative amino acid substitution, which may impact secondary protein structure as these residues differ in some properties. This substitution occurs at a position that is highly conserved across species. In silico analysis predicts this variant is probably damaging to the protein structure/function. Missense variants in the same and nearby residues (R716W, G709D, E722K) have been reported in the Human Gene Mutation Database in association with RAG1-deficiency disorders (Stenson et al., 2009), supporting the functional importance of this region of the protein. Therefore, this is a strong candidate for a pathogenic variant; however, the possibility that it is a benign variant cannot be excluded.

Pediatric Intensive Care Unit, Hunan Children's Hospital
Classification: Uncertain significance for Severe combined immunodeficiency, autosomal recessive, T cell-negative, B cell-negative, NK cell-positive. Review status: no assertion criteria provided. Collection method: clinical testing. Allele origin: germline. Affected: yes. Observed: 1 homozygote. Not counted in ClinVar's aggregate classification.

NM_000448.3(RAG1):c.2147G>A (p.Arg716Gln)

Gene: RAG1 (recombination activating 1; plus strand). Cytogenetic location: 11p12.
Variant type: single nucleotide variant.
Coding change: c.2147G>A on transcript NM_000448.3 (MANE Select); coding-DNA position 2147, G replaced by A.
Protein change: p.Arg716Gln; replaces arginine 716 with glutamine.
Molecular consequence: missense variant.
Genome position (GRCh38, 1-based): chr11:36,575,451, G>A. VCF-style: chr11-36575451-G-A. GRCh37 (hg19) VCF-style: chr11-36597001-G-A.
Other names: NM_000448.3(RAG1):c.2147G>A; p.Arg716Gln; c.2147G>A, p.Arg716Gln (NM_001377277.1, NM_001377278.1, NM_001377279.1 and 1 more transcripts); short protein forms R716Q.
Identifiers: ClinVar variation 418448 (VCV000418448.5), dbSNP rs1064793248, ClinGen allele CA16619317.